The following is an entry in ClinVar:

NM_014712.3(SETD1A):c.1370G>A (p.Arg457Gln)

Gene: SETD1A (SET domain containing 1A, histone lysine methyltransferase; plus strand). Cytogenetic location: 16p11.2.
Variant type: single nucleotide variant.
Coding change: c.1370G>A on transcript NM_014712.3 (MANE Select); coding-DNA position 1370, G replaced by A.
Protein change: p.Arg457Gln; replaces arginine 457 with glutamine.
Molecular consequence: missense variant.
Genome position (GRCh38, 1-based): chr16:30,965,112, G>A. VCF-style: chr16-30965112-G-A. GRCh37 (hg19) VCF-style: chr16-30976433-G-A.
Other names: c.1370G>A (NM_014712.2); short protein forms R457Q.
Identifiers: ClinVar variation 2209634 (VCV002209634.4), dbSNP rs543794172, ClinGen allele CA8016663.
Genomic context (GRCh38, chr16:30,965,112, plus strand): 5'-CTCCAGAACCTGGTGGAGGCGGGGGTGGAGGAGGGCCCAGCCCTGAGAGAGAAGAAGTTC[G>A]GACTTCCCCCCGCCCAGCCTCCCCTGCCCGCTCTGGCTCCCCAGCCCCGGAGACCACCAA-3'
Protein context (NP_055527.1, residues 447-467): GGPSPEREEV[Arg457Gln]TSPRPASPAR

ClinVar aggregate classification (germline): Likely benign. Review status: criteria provided, single submitter (1 of 4 stars). 2 submissions from 2 submitters: Likely benign (1). 1 of the submissions does not count toward it. Last evaluated 2022-02-17.

Conditions:
Inborn genetic diseases. Identifiers: MedGen C0950123, MeSH D030342.
SETD1A-related disorder. Also called: SETD1A-related condition.

Allele frequency attached by ClinVar (database versions not stated): TOPMed 0.00002; gnomAD 0.00003; gnomAD exomes 0.00006; ExAC 0.00015; 1000 Genomes Project 30x 0.00016; 1000 Genomes Project 0.00020.

Submissions (2):

Ambry Genetics
Classification: Likely benign for Inborn genetic diseases. Last evaluated: 2022-02-17. Review status: criteria provided, single submitter. Criteria: Ambry Variant Classification Scheme 2023. Collection method: clinical testing. Allele origin: germline.

PreventionGenetics, part of Exact Sciences
Classification: Likely benign for SETD1A-related condition. Last evaluated: 2022-04-20. Review status: no assertion criteria provided. Collection method: clinical testing. Allele origin: germline. Not counted in ClinVar's aggregate classification.
Comment: This variant is classified as likely benign based on ACMG/AMP sequence variant interpretation guidelines (Richards et al. 2015 PMID: 25741868, with internal and published modifications).